The following is an entry in ClinVar:

NM_006017.3(PROM1):c.583G>C (p.Asp195His)

Gene: PROM1 (prominin 1; minus strand). Cytogenetic location: 4p15.32.
Variant type: single nucleotide variant.
Coding change: c.583G>C on transcript NM_006017.3 (MANE Select); coding-DNA position 583, G replaced by C.
Protein change: p.Asp195His; replaces aspartic acid 195 with histidine.
Molecular consequence: missense variant.
Genome position (GRCh38, 1-based): chr4:16,025,239, C>G on the plus strand (G>C on the coding strand, the complement: PROM1 is on the minus strand). VCF-style: chr4-16025239-C-G. GRCh37 (hg19) VCF-style: chr4-16026862-C-G.
Other names: c.556G>C, p.Asp186His (NM_001145847.2, NM_001145848.2, NM_001145851.2 and 4 more transcripts); c.583G>C, p.Asp195His (NM_001145849.2, NM_001145850.2); short protein forms D186H, D195H.
Identifiers: ClinVar variation 3610246 (VCV003610246.2).
Genomic context (GRCh38, chr4:16,025,239, plus strand): 5'-TGATGGTTTTTACCTCTGGAGTTTCATTCAAGAGAGTTCGCAAGTCCTTGAAATTGCTAT[C>G]TGCCAGTTTCCGACTCCTTTTGATCCGGGTTCTTACCTGGTGATTTGCCACAAAACCATA-3'
Protein context (NP_006008.1, residues 185-205): TRIKRSRKLA[Asp195His]SNFKDLRTLL

ClinVar aggregate classification (germline): Uncertain significance (1 of 4 stars; one submission).

gnomAD v4.1: 1 of 1,613,830 alleles (0.000062%); highest among the groups gnomAD compares: Non-Finnish European, 0.000085%; no homozygotes.

Submission:

Labcorp Genetics (formerly Invitae), Labcorp
Classification: Uncertain significance. Last evaluated: 2024-03-24. Review status: criteria provided, single submitter. Criteria: Invitae Variant Classification Sherloc (09022015). Collection method: clinical testing. Allele origin: germline.
Comment: This sequence change replaces aspartic acid, which is acidic and polar, with histidine, which is basic and polar, at codon 195 of the PROM1 protein (p.Asp195His). This variant is present in population databases (no rsID available, gnomAD 0.007%). This variant has not been reported in the literature in individuals affected with PROM1-related conditions. Advanced modeling of protein sequence and biophysical properties (such as structural, functional, and spatial information, amino acid conservation, physicochemical variation, residue mobility, and thermodynamic stability) has been performed at Invitae for this missense variant, however the output from this modeling did not meet the statistical confidence thresholds required to predict the impact of this variant on PROM1 protein function. In summary, the available evidence is currently insufficient to determine the role of this variant in disease. Therefore, it has been classified as a Variant of Uncertain Significance.